The following is an entry in ClinVar:

NM_198252.3(GSN):c.580A>G (p.Lys194Glu)

Gene: GSN (gelsolin; plus strand). Cytogenetic location: 9q33.2.
Variant type: single nucleotide variant.
Coding change: c.580A>G on transcript NM_198252.3 (MANE Select); coding-DNA position 580, A replaced by G.
Protein change: p.Lys194Glu; replaces lysine 194 with glutamic acid.
Molecular consequence: missense variant. On other transcripts: 5 prime UTR variant (1).
Genome position (GRCh38, 1-based): chr9:121,312,405, A>G. VCF-style: chr9-121312405-A-G. GRCh37 (hg19) VCF-style: chr9-124074683-A-G.
Other names: c.733A>G, p.Lys245Glu (NM_000177.5); c.580A>G, p.Lys194Glu (NM_001127662.2, NM_001127664.2, NM_001127665.2 and 10 more transcripts); c.688A>G, p.Lys230Glu (NM_001127663.2); c.613A>G, p.Lys205Glu (NM_001127666.2, NM_001127667.2, NM_001353063.2 and 13 more transcripts); c.631A>G, p.Lys211Glu (NM_001258029.2); c.604A>G, p.Lys202Glu (NM_001258030.2); c.652A>G, p.Lys218Glu (NM_001353076.2); c.-75A>G (NM_001353078.2); short protein forms K202E, K194E, K205E, K211E, K218E, K230E, K245E.
Identifiers: ClinVar variation 1487752 (VCV001487752.8), dbSNP rs2133479481, ClinGen allele CA374740771.

ClinVar aggregate classification (germline): Uncertain significance (1 of 4 stars; one submission).

gnomAD v4.1: 4 of 1,614,034 alleles (0.00025%); highest among the groups gnomAD compares: Non-Finnish European, 0.00034%; no homozygotes.

Submission:

Labcorp Genetics (formerly Invitae), Labcorp
Classification: Uncertain significance. Last evaluated: 2021-03-14. Review status: criteria provided, single submitter. Criteria: Invitae Variant Classification Sherloc (09022015). Collection method: clinical testing. Allele origin: germline.
Comment: This sequence change replaces lysine with glutamic acid at codon 245 of the GSN protein (p.Lys245Glu). The lysine residue is highly conserved and there is a small physicochemical difference between lysine and glutamic acid. This variant is not present in population databases (ExAC no frequency). This variant has not been reported in the literature in individuals with GSN-related conditions. Algorithms developed to predict the effect of missense changes on protein structure and function are either unavailable or do not agree on the potential impact of this missense change (SIFT: "Deleterious"; PolyPhen-2: "Possibly Damaging"; Align-GVGD: "Class C0"). In summary, the available evidence is currently insufficient to determine the role of this variant in disease. Therefore, it has been classified as a Variant of Uncertain Significance.